The following is an entry in ClinVar:

NM_022168.4(IFIH1):c.2152T>C (p.Ser718Pro)

Gene: IFIH1 (interferon induced with helicase C domain 1; minus strand). Cytogenetic location: 2q24.2.
Variant type: single nucleotide variant.
Coding change: c.2152T>C on transcript NM_022168.4 (MANE Select); coding-DNA position 2152, T replaced by C.
Protein change: p.Ser718Pro; replaces serine 718 with proline.
Molecular consequence: missense variant.
Genome position (GRCh38, 1-based): chr2:162,276,839, A>G on the plus strand (T>C on the coding strand, the complement: IFIH1 is on the minus strand). VCF-style: chr2-162276839-A-G. GRCh37 (hg19) VCF-style: chr2-163133349-A-G.
Other names: short protein forms S718P.
Identifiers: ClinVar variation 1474799 (VCV001474799.6), dbSNP rs2105196679, ClinGen allele CA348997233.

ClinVar aggregate classification (germline): Uncertain significance (1 of 4 stars; one submission).

Conditions:
Aicardi-Goutieres syndrome 7 (AGS7). Identifiers: Orphanet 51, MedGen C3888244, MONDO:0014367, OMIM 615846.
Singleton-Merten syndrome 1 (SGMRT1). Also called: Widened medullary cavities of bone, aortic calcification, abnormal dentition, and muscular weakness; Syndrome of widened medullary cavities of the metacarpals and phalanges, aortic calcification and abnormal dentition. Identifiers: Orphanet 85191, MedGen C4225427, MONDO:0024535, OMIM 182250.

Submission:

Labcorp Genetics (formerly Invitae), Labcorp
Classification: Uncertain significance for Aicardi-Goutieres syndrome 7; Singleton-Merten syndrome 1. Last evaluated: 2021-09-04. Review status: criteria provided, single submitter. Criteria: Invitae Variant Classification Sherloc (09022015). Collection method: clinical testing. Allele origin: germline.
Comment: In summary, the available evidence is currently insufficient to determine the role of this variant in disease. Therefore, it has been classified as a Variant of Uncertain Significance. Algorithms developed to predict the effect of missense changes on protein structure and function output the following: SIFT: "Tolerated"; PolyPhen-2: "Benign"; Align-GVGD: "Class C0". The proline amino acid residue is found in multiple mammalian species, which suggests that this missense change does not adversely affect protein function. This variant has not been reported in the literature in individuals affected with IFIH1-related conditions. This variant is not present in population databases (ExAC no frequency). This sequence change replaces serine with proline at codon 718 of the IFIH1 protein (p.Ser718Pro). The serine residue is moderately conserved and there is a moderate physicochemical difference between serine and proline.